The following is an entry in ClinVar:

ClinVar aggregate classification (germline): Pathogenic (1 of 4 stars; one submission).

Conditions:
Hypertrophic cardiomyopathy. Also called: HYPERTROPHIC MYOCARDIOPATHY. Identifiers: Orphanet 217569, MedGen C0007194, MeSH D002312, MONDO:0005045, HP:0001639.

Submission:

Labcorp Genetics (formerly Invitae), Labcorp
Classification: Pathogenic for Hypertrophic cardiomyopathy. Last evaluated: 2025-10-23. Review status: criteria provided, single submitter. Criteria: Invitae Variant Classification Sherloc (09022015). Collection method: clinical testing. Allele origin: germline.
Comment: This sequence change creates a premature translational stop signal (p.Leu1060Argfs*15) in the MYBPC3 gene. It is expected to result in an absent or disrupted protein product. Loss-of-function variants in MYBPC3 are known to be pathogenic (PMID: 19574547). This variant is present in population databases (no rsID available, gnomAD 0.06%). This premature translational stop signal has been observed in individual(s) with dilated cardiomyopathy (PMID: 31983221). ClinVar contains an entry for this variant (Variation ID: 3613678). Algorithms developed to predict the effect of sequence changes on RNA splicing suggest that this variant may create or strengthen a splice site. For these reasons, this variant has been classified as Pathogenic.

Literature cited by the submitters: PubMed 19574547; PubMed 31983221.

NM_000256.3(MYBPC3):c.3179del (p.Leu1060fs)

Gene: MYBPC3 (myosin binding protein C3; minus strand). Cytogenetic location: 11p11.2.
Variant type: Deletion.
Coding change: c.3179del on transcript NM_000256.3 (MANE Select); coding-DNA position 3179, one base deleted (T; older notation c.3179delT).
Protein change: p.Leu1060fs; shifts the reading frame from leucine 1060.
Molecular consequence: frameshift variant.
Genome position (GRCh38, 1-based): chr11:47,333,568, A deleted on the plus strand (T on the coding strand, the reverse complement: MYBPC3 is on the minus strand). VCF-style (leftmost placement, unchanged base first): chr11-47333567-CA-C. GRCh37 (hg19) VCF-style: chr11-47355118-CA-C.
Other names: short protein forms L1060fs.
Identifiers: ClinVar variation 3613678 (VCV003613678.2).